The following is an entry in ClinVar:

NM_000540.3(RYR1):c.10938-8C>A

Gene: RYR1 (ryanodine receptor 1; plus strand). Cytogenetic location: 19q13.2.
Variant type: single nucleotide variant.
Coding change: c.10938-8C>A on transcript NM_000540.3 (MANE Select); 8 bases into the intron before coding-DNA position 10938, C replaced by A.
Molecular consequence: intron variant.
Genome position (GRCh38, 1-based): chr19:38,528,591, C>A. VCF-style: chr19-38528591-C-A. GRCh37 (hg19) VCF-style: chr19-39019231-C-A.
Other names: c.10923-8C>A (NM_001042723.2).
Identifiers: ClinVar variation 1105031 (VCV001105031.9), dbSNP rs1314510894, ClinGen allele CA2499225479.

ClinVar aggregate classification (germline): Conflicting classifications of pathogenicity. Review status: criteria provided, conflicting classifications (1 of 4 stars). 2 submissions from 2 submitters: Uncertain significance (1); Likely benign (1). Last evaluated 2023-10-12.

Conditions:
RYR1-related disorder. Also called: RYR1-related disorders; RYR1-related condition. Identifiers: MedGen CN239331.
Malignant hyperthermia, susceptibility to, 1 (MHS1). Also called: RYR1-Related Malignant Hyperthermia Susceptibility; Malignant hyperthermia suceptibility 1; Anesthesia related hyperthermia; Malignant hyperpyrexia; Fulminating hyperpyrexia; Pharmacogenic myopathy. Identifiers: Orphanet 423, MedGen C2930980, MONDO:0007783, OMIM 145600.

Submissions (2):

Color Diagnostics, LLC DBA Color Health
Classification: Uncertain significance for Malignant hyperthermia, susceptibility to, 1. Last evaluated: 2023-10-12. Review status: criteria provided, single submitter. Criteria: ACMG Guidelines, 2015. Collection method: clinical testing. Allele origin: germline.
Comment: This variant causes a C to A nucleotide substitution at the -8 position of intron 74 of the RYR1 gene. To our knowledge, functional studies have not been reported for this variant. This variant has not been reported in individuals affected with RYR1-related disorders in the literature. This variant has not been identified in the general population by the Genome Aggregation Database (gnomAD). The available evidence is insufficient to determine the role of this variant in disease conclusively. Therefore, this variant is classified as a Variant of Uncertain Significance.

Labcorp Genetics (formerly Invitae), Labcorp
Classification: Likely benign for RYR1-related disorder. Last evaluated: 2022-10-05. Review status: criteria provided, single submitter. Criteria: Invitae Variant Classification Sherloc (09022015). Collection method: clinical testing. Allele origin: germline.